The following is an entry in ClinVar:

ClinVar aggregate classification (germline): Pathogenic (1 of 4 stars; one submission).

Conditions:
Hereditary diffuse gastric adenocarcinoma (HDGC). Also called: DIFFUSE GASTRIC AND LOBULAR BREAST CANCER SYNDROME. Identifiers: Orphanet 26106, MedGen C1708349, MONDO:0007648, OMIM 137215.

Submission:

Myriad Genetics, Inc.
Classification: Pathogenic for Hereditary diffuse gastric adenocarcinoma. Last evaluated: 2026-08-10. Review status: criteria provided, single submitter. Criteria: Myriad Autosomal Dominant, Autosomal Recessive and X-Linked Classification Criteria (2023). Collection method: clinical testing. Allele origin: unknown.
Comment: This variant is considered pathogenic. This variant creates a termination codon and is predicted to result in premature protein truncation.

NM_001903.5(CTNNA1):c.849dup (p.Asn284Ter)

Gene: CTNNA1 (catenin alpha 1; plus strand). Cytogenetic location: 5q31.2.
Variant type: Duplication.
Coding change: c.849dup on transcript NM_001903.5 (MANE Select); coding-DNA position 849, one base duplicated (T; older notation c.849dupT).
Protein change: p.Asn284Ter; replaces asparagine 284 with a stop codon.
Molecular consequence: nonsense.
Genome position (GRCh38, 1-based): chr5:138,824,790, T duplicated. VCF-style (leftmost placement, unchanged base first): chr5-138824789-A-AT. GRCh37 (hg19) VCF-style: chr5-138160478-A-AT.
Other names: c.849dup, p.Asn284Ter (NM_001290307.3, NM_001323982.2, NM_001323983.1 and 3 more transcripts); c.540dup, p.Asn181Ter (NM_001290309.3); c.480dup, p.Asn161Ter (NM_001290310.3); short protein forms N161*, N181*, N284*.
Identifiers: ClinVar variation 5042240 (VCV005042240.1).
Genomic context (GRCh38, chr5:138,824,789, plus strand): 5'-CCTCAGACGATGCCTCACAGCACCAGGGTGGAGGAGGAGGAGAACTGGCATATGCACTCA[A>AT]TAACTTTGACGTAAGTTATGCTTGGGTGGAAATTTCCAGCTCTTGACCATCCCCCAAAAG-3'